The following is an entry in ClinVar:

NM_000393.5(COL5A2):c.3925+37G>T

Gene: COL5A2 (collagen type V alpha 2 chain; minus strand). Cytogenetic location: 2q32.2.
Variant type: single nucleotide variant.
Coding change: c.3925+37G>T on transcript NM_000393.5 (MANE Select); 37 bases into the intron after coding-DNA position 3925, G replaced by T.
Molecular consequence: intron variant.
Genome position (GRCh38, 1-based): chr2:189,039,235, C>A on the plus strand (G>T on the coding strand, the complement: COL5A2 is on the minus strand). VCF-style: chr2-189039235-C-A. GRCh37 (hg19) VCF-style: chr2-189903961-C-A.
Identifiers: ClinVar variation 673988 (VCV000673988.2), dbSNP rs55749146, ClinGen allele CA2021888.

ClinVar aggregate classification (germline): Likely benign. Review status: criteria provided, multiple submitters, no conflicts (2 of 4 stars). 2 submissions from 2 submitters: Likely benign (2). Last evaluated 2018-06-14.

Allele frequency attached by ClinVar (database versions not stated): 1000 Genomes Project 30x 0.01765; 1000 Genomes Project 0.01817; gnomAD exomes 0.02017 and 0.02273; ExAC 0.02076; gnomAD 0.02393 and 0.02544; TOPMed 0.02457; ESP Exome Variant Server 0.02660.
gnomAD v4.1: 36,871 of 1,611,548 alleles (2.3%); highest among the groups gnomAD compares: African/African-American, 3.4%; 493 homozygotes.

Submissions (2):

GeneDx
Classification: Likely benign. Last evaluated: 2018-06-14. Review status: criteria provided, single submitter. Criteria: GeneDx Variant Classification (06012015). Collection method: clinical testing. Allele origin: germline. Affected: yes.
Comment: This variant is considered likely benign or benign based on one or more of the following criteria: it is a conservative change, it occurs at a poorly conserved position in the protein, it is predicted to be benign by multiple in silico algorithms, and/or has population frequency not consistent with disease.

Breakthrough Genomics
Classification: Likely benign. Review status: criteria provided, single submitter. Criteria: ACMG Guidelines, 2015. Collection method: not provided. Allele origin: germline. Inheritance: Autosomal dominant inheritance. Affected: yes.